The following is an entry in ClinVar:

NM_000292.3(PHKA2):c.193G>T (p.Ala65Ser)

Gene: PHKA2 (phosphorylase kinase regulatory subunit alpha 2; minus strand). Cytogenetic location: Xp22.13.
Variant type: single nucleotide variant.
Coding change: c.193G>T on transcript NM_000292.3 (MANE Select); coding-DNA position 193, G replaced by T.
Protein change: p.Ala65Ser; replaces alanine 65 with serine.
Molecular consequence: missense variant.
Genome position (GRCh38, 1-based): chrX:18,954,298, C>A on the plus strand (G>T on the coding strand, the complement: PHKA2 is on the minus strand). VCF-style: chrX-18954298-C-A. GRCh37 (hg19) VCF-style: chrX-18972416-C-A.
Other names: short protein forms A65S.
Identifiers: ClinVar variation 1698179 (VCV001698179.2), dbSNP rs2147995123, ClinGen allele CA412377361.

ClinVar aggregate classification (germline): Uncertain significance (1 of 4 stars; one submission).

Submission:

GeneDx
Classification: Uncertain significance. Last evaluated: 2022-01-20. Review status: criteria provided, single submitter. Criteria: GeneDx Variant Classification Process June 2021. Collection method: clinical testing. Allele origin: germline. Affected: yes.
Comment: Not observed at significant frequency in large population cohorts (gnomAD); In silico analysis supports that this missense variant does not alter protein structure/function; Has not been previously published as pathogenic or benign to our knowledge